The following is an entry in ClinVar:

ClinVar aggregate classification (germline): Uncertain significance (1 of 4 stars; one submission).

Allele frequency attached by ClinVar (database versions not stated): TOPMed below 0.00001.
gnomAD v4.1: 2 of 1,211,780 alleles (0.00017%); highest among the groups gnomAD compares: Middle Eastern, 0.023%; no homozygotes.

Submission:

CeGaT Center for Human Genetics Tuebingen
Classification: Uncertain significance. Last evaluated: 2022-06-01. Review status: criteria provided, single submitter. Criteria: CeGaT Center For Human Genetics Tuebingen Variant Classification Criteria Version 2. Collection method: clinical testing. Allele origin: germline. Affected: yes. Observed: 1 variant allele.
Comment: SHROOM4: PM2, BP4, BP5

NM_020717.5(SHROOM4):c.4439A>G (p.Lys1480Arg)

Gene: SHROOM4 (shroom family member 4; minus strand). Cytogenetic location: Xp11.22.
Variant type: single nucleotide variant.
Coding change: c.4439A>G on transcript NM_020717.5 (MANE Select); coding-DNA position 4439, A replaced by G.
Protein change: p.Lys1480Arg; replaces lysine 1480 with arginine.
Molecular consequence: missense variant. On other transcripts: non-coding transcript variant (4).
Genome position (GRCh38, 1-based): chrX:50,596,738, T>C on the plus strand (A>G on the coding strand, the complement: SHROOM4 is on the minus strand). VCF-style: chrX-50596738-T-C. GRCh37 (hg19) VCF-style: chrX-50339738-T-C.
Other names: short protein forms K1480R.
Identifiers: ClinVar variation 1695298 (VCV001695298.31), dbSNP rs1929131698, ClinGen allele CA413098937.